The following is an entry in ClinVar:

ClinVar aggregate classification (germline): Likely benign. Review status: criteria provided, multiple submitters, no conflicts (2 of 4 stars). 2 submissions from 2 submitters: Likely benign (2). Last evaluated 2025-12-15.

Conditions:
Developmental and epileptic encephalopathy 94 (DEE94). Also called: Epileptic encephalopathy, childhood-onset; CHD2-Related Neurodevelopmental Disorders. Identifiers: Orphanet 1942, Orphanet 2382, MedGen C3809278, MONDO:0014150, OMIM 615369.

Allele frequency attached by ClinVar (database versions not stated): gnomAD exomes 0.00001 and 0.00004; ExAC 0.00005; TOPMed 0.00013; 1000 Genomes Project 30x 0.00016; gnomAD 0.00017; 1000 Genomes Project 0.00020; ESP Exome Variant Server 0.00031.
gnomAD v4.1: 40 of 1,595,862 alleles (0.0025%); highest among the groups gnomAD compares: African/African-American, 0.051%; no homozygotes.

Submissions (2):

Labcorp Genetics (formerly Invitae), Labcorp
Classification: Likely benign for Developmental and epileptic encephalopathy 94. Last evaluated: 2025-12-15. Review status: criteria provided, single submitter. Criteria: Invitae Variant Classification Sherloc (09022015). Collection method: clinical testing. Allele origin: germline.

GeneDx
Classification: Likely benign. Last evaluated: 2016-06-20. Review status: criteria provided, single submitter. Criteria: GeneDx Variant Classification (06012015). Collection method: clinical testing. Allele origin: germline. Affected: yes.
Comment: This variant is considered likely benign or benign based on one or more of the following criteria: it is a conservative change, it occurs at a poorly conserved position in the protein, it is predicted to be benign by multiple in silico algorithms, and/or has population frequency not consistent with disease.

NM_001271.4(CHD2):c.2877-15A>G

Genes: CHD2 (chromodomain helicase DNA binding protein 2; plus strand), LOC126862230 (P300/CBP strongly-dependent group 1 enhancer GRCh37_chr15:93523977-93525176; plus strand). Cytogenetic location: 15q26.1.
Variant type: single nucleotide variant.
Coding change: c.2877-15A>G on transcript NM_001271.4 (MANE Select); 15 bases into the intron before coding-DNA position 2877, A replaced by G.
Molecular consequence: intron variant.
Genome position (GRCh38, 1-based): chr15:92,980,800, A>G. VCF-style: chr15-92980800-A-G. GRCh37 (hg19) VCF-style: chr15-93524030-A-G.
Identifiers: ClinVar variation 386974 (VCV000386974.9), dbSNP rs374737708, ClinGen allele CA7748094.